The following is an entry in ClinVar:

NM_001005273.3(CHD3):c.4910A>G (p.Asp1637Gly)

Gene: CHD3 (chromodomain helicase DNA binding protein 3; plus strand). Cytogenetic location: 17p13.1.
Variant type: single nucleotide variant.
Coding change: c.4910A>G on transcript NM_001005273.3 (MANE Select); coding-DNA position 4910, A replaced by G.
Protein change: p.Asp1637Gly; replaces aspartic acid 1637 with glycine.
Molecular consequence: missense variant.
Genome position (GRCh38, 1-based): chr17:7,907,474, A>G. VCF-style: chr17-7907474-A-G. GRCh37 (hg19) VCF-style: chr17-7810792-A-G.
Other names: c.5087A>G, p.Asp1696Gly (NM_001005271.3); c.4910A>G, p.Asp1637Gly (NM_005852.4); short protein forms D1637G, D1696G.
Identifiers: ClinVar variation 1723659 (VCV001723659.5), dbSNP rs1971121501, ClinGen allele CA397947388.

ClinVar aggregate classification (germline): Uncertain significance (1 of 4 stars; one submission).

Allele frequency attached by ClinVar (database versions not stated): TOPMed below 0.00001.

Submission:

GeneDx
Classification: Uncertain significance. Last evaluated: 2024-07-26. Review status: criteria provided, single submitter. Criteria: GeneDx Variant Classification Process June 2021. Collection method: clinical testing. Allele origin: germline. Affected: yes.
Comment: Not observed at significant frequency in large population cohorts (gnomAD); In silico analysis supports that this missense variant has a deleterious effect on protein structure/function; Has not been previously published as pathogenic or benign to our knowledge